The following is an entry in ClinVar:

ClinVar aggregate classification (germline): Likely pathogenic (1 of 4 stars; one submission).

Conditions:
Primary hyperoxaluria, type II (HP2). Also called: OXALOSIS II; Primary hyperoxaluria type 2; D-GLYCERATE DEHYDROGENASE DEFICIENCY; GLYCERIC ACIDURIA; GLYOXYLATE REDUCTASE/HYDROXYPYRUVATE REDUCTASE DEFICIENCY. Identifiers: Orphanet 416, Orphanet 93599, MedGen C0268165, MONDO:0009824, OMIM 260000. Disease mechanism: loss of function.

Submission:

Clinical Biochemistry Laboratory, Health Services Laboratory
Classification: Likely pathogenic for Primary hyperoxaluria, type II. Last evaluated: 2023-10-27. Review status: criteria provided, single submitter. Criteria: ACMG Guidelines, 2015. Collection method: curation. Allele origin: germline. Affected: yes.
Comment: ACMG: PM2 PM4 PP3 PP4

Literature cited by the submitters: PubMed 37139236.

NM_012203.2(GRHPR):c.258_272del (p.His87_Asp91del)

Gene: GRHPR (glyoxylate and hydroxypyruvate reductase; plus strand). Cytogenetic location: 9p13.2.
Variant type: Deletion.
Coding change: c.258_272del on transcript NM_012203.2 (MANE Select); coding-DNA positions 258 to 272, 15 bases deleted (CCACTTGGCTTTGGA).
Protein change: p.His87_Asp91del.
Molecular consequence: inframe deletion.
Genome position (GRCh38, 1-based): chr9:37,425,965-37,425,979, CCACTTGGCTTTGGA deleted; deleting any 15 consecutive bases within chr9:37,425,963-37,425,979 gives the same sequence; the c. name uses the placement nearest the transcript's 3' end. VCF-style (leftmost placement, unchanged base first): chr9-37425962-CGACCACTTGGCTTTG-C. GRCh37 (hg19) VCF-style: chr9-37425959-CGACCACTTGGCTTTG-C.
Identifiers: ClinVar variation 2664427 (VCV002664427.1), dbSNP rs2489234534, ClinGen allele CA2695201571.
Genomic context (GRCh38, chr9:37,425,962, plus strand): 5'-ATGCACTTTCTGCACAACAGGGGCCAATCTCAAAGTCATCAGCACCATGTCTGTGGGCAT[CGACCACTTGGCTTTG>C]GATGAAATCAAGAAGCGGTAACTGCAGCTTGGGATCTGGAGGGGGCCTAGAGAGAGGGGT-3'